The following is an entry in ClinVar:

ClinVar aggregate classification (germline): Uncertain significance (1 of 4 stars; one submission).

Conditions:
Shprintzen-Goldberg syndrome (SGS). Also called: SHPRINTZEN-GOLDBERG CRANIOSYNOSTOSIS SYNDROME; CRANIOSYNOSTOSIS WITH ARACHNODACTYLY AND ABDOMINAL HERNIAS; Marfanoid disorder with craniosynostosis type 1; Marfanoid craniosynostosis syndrome; Shprintzen-Goldberg marfanoid syndrome. Identifiers: Orphanet 2462, MedGen C1321551, MONDO:0008426, OMIM 182212.

Submission:

Labcorp Genetics (formerly Invitae), Labcorp
Classification: Uncertain significance for Shprintzen-Goldberg syndrome. Last evaluated: 2021-10-25. Review status: criteria provided, single submitter. Criteria: Invitae Variant Classification Sherloc (09022015). Collection method: clinical testing. Allele origin: germline.
Comment: This sequence change replaces asparagine with threonine at codon 140 of the SKI protein (p.Asn140Thr). The asparagine residue is highly conserved and there is a small physicochemical difference between asparagine and threonine. In summary, the available evidence is currently insufficient to determine the role of this variant in disease. Therefore, it has been classified as a Variant of Uncertain Significance. Advanced modeling of protein sequence and biophysical properties (such as structural, functional, and spatial information, amino acid conservation, physicochemical variation, residue mobility, and thermodynamic stability) performed at Invitae indicates that this missense variant is expected to disrupt SKI protein function. This missense change has been observed in individual(s) with clinical features of Shprintzen-Goldberg syndrome (Invitae). This variant is not present in population databases (ExAC no frequency).

NM_003036.4(SKI):c.419A>C (p.Asn140Thr)

Gene: SKI (SKI proto-oncogene; plus strand). Cytogenetic location: 1p36.33.
Variant type: single nucleotide variant.
Coding change: c.419A>C on transcript NM_003036.4 (MANE Select); coding-DNA position 419, A replaced by C.
Protein change: p.Asn140Thr; replaces asparagine 140 with threonine.
Molecular consequence: missense variant.
Genome position (GRCh38, 1-based): chr1:2,229,185, A>C. VCF-style: chr1-2229185-A-C. GRCh37 (hg19) VCF-style: chr1-2160624-A-C.
Other names: short protein forms N140T.
Identifiers: ClinVar variation 1376153 (VCV001376153.6), dbSNP rs2100790187, ClinGen allele CA337953177.
Genomic context (GRCh38, chr1:2,229,185, plus strand): 5'-GCCTGTGTCTGCCGCAGATTCTCAACTCGGTGCTGCGCGACTTCTCGCTGCAGCAGATCA[A>C]CGCGGTGTGCGACGAGCTCCACATCTACTGCTCGCGCTGCACGGCCGACCAGCTGGAGAT-3'
Protein context (NP_003027.1, residues 130-150): VLRDFSLQQI[Asn140Thr]AVCDELHIYC